The following is an entry in ClinVar:

NM_001006658.3(CR2):c.425G>T (p.Arg142Leu)

Gene: CR2 (complement C3d receptor 2; plus strand). Cytogenetic location: 1q32.2.
Variant type: single nucleotide variant.
Coding change: c.425G>T on transcript NM_001006658.3 (MANE Select); coding-DNA position 425, G replaced by T.
Protein change: p.Arg142Leu; replaces arginine 142 with leucine.
Molecular consequence: missense variant.
Genome position (GRCh38, 1-based): chr1:207,466,892, G>T. VCF-style: chr1-207466892-G-T. GRCh37 (hg19) VCF-style: chr1-207640237-G-T.
Other names: c.425G>T, p.Arg142Leu (NM_001877.5); short protein forms R142L.
Identifiers: ClinVar variation 1511842 (VCV001511842.9), dbSNP rs750210048, ClinGen allele CA1368412.

ClinVar aggregate classification (germline): Uncertain significance. Review status: criteria provided, multiple submitters, no conflicts (2 of 4 stars). 2 submissions from 2 submitters: Uncertain significance (2). Last evaluated 2022-07-29.

Conditions:
Immunodeficiency, common variable, 7. Identifiers: Orphanet 1572, Orphanet 696894, MedGen C3542922, MONDO:0013862, OMIM 614699.

Allele frequency attached by ClinVar (database versions not stated): gnomAD exomes below 0.00001; TOPMed below 0.00001; ExAC 0.00001.

Submissions (2):

Blueprint Genetics
Classification: Uncertain significance. Last evaluated: 2022-07-29. Review status: criteria provided, single submitter. Criteria: ACMG Guidelines, 2015. Collection method: clinical testing. Allele origin: germline.

Labcorp Genetics (formerly Invitae), Labcorp
Classification: Uncertain significance for Immunodeficiency, common variable, 7. Last evaluated: 2021-08-11. Review status: criteria provided, single submitter. Criteria: Invitae Variant Classification Sherloc (09022015). Collection method: clinical testing. Allele origin: germline.
Comment: In summary, the available evidence is currently insufficient to determine the role of this variant in disease. Therefore, it has been classified as a Variant of Uncertain Significance. Algorithms developed to predict the effect of missense changes on protein structure and function (SIFT, PolyPhen-2, Align-GVGD) all suggest that this variant is likely to be tolerated, but these predictions have not been confirmed by published functional studies and their clinical significance is uncertain. This variant has not been reported in the literature in individuals with CR2-related conditions. This variant is present in population databases (rs750210048, ExAC 0.002%). This sequence change replaces arginine with leucine at codon 142 of the CR2 protein (p.Arg142Leu). The arginine residue is weakly conserved and there is a moderate physicochemical difference between arginine and leucine.